The following is an entry in ClinVar:

ClinVar aggregate classification (germline): Benign/Likely benign. Review status: criteria provided, multiple submitters, no conflicts (2 of 4 stars). 2 submissions from 2 submitters: Benign (1); Likely benign (1). Last evaluated 2025-12-03.

Conditions:
Lung cancer. Also called: Lung cancer, somatic; Malignant tumor of lung. Identifiers: MedGen C0242379, MONDO:0008903, OMIM 211980.
EGFR-related lung cancer (EGFR). Identifiers: MedGen CN130014.

Allele frequency attached by ClinVar (database versions not stated): ExAC 0.00002; ESP Exome Variant Server 0.00008; 1000 Genomes Project 30x 0.00016; 1000 Genomes Project 0.00020.
gnomAD v4.1: 13 of 1,613,808 alleles (0.00081%); highest among the groups gnomAD compares: Middle Eastern, 0.017%; no homozygotes.

Submissions (2):

Labcorp Genetics (formerly Invitae), Labcorp
Classification: Likely benign for EGFR-related lung cancer. Last evaluated: 2025-12-03. Review status: criteria provided, single submitter. Criteria: Invitae Variant Classification Sherloc (09022015). Collection method: clinical testing. Allele origin: germline.

Myriad Genetics, Inc.
Classification: Benign for Lung cancer. Last evaluated: 2024-10-16. Review status: criteria provided, single submitter. Criteria: Myriad Autosomal Dominant, Autosomal Recessive and X-Linked Classification Criteria (2023). Collection method: clinical testing. Allele origin: unknown.
Comment: This variant is considered benign. This variant is intronic and is not expected to impact mRNA splicing. This variant has been observed at a population frequency that is significantly greater than expected given the associated disease prevalence and penetrance.

NM_005228.5(EGFR):c.2284-20G>A

Genes: EGFR (epidermal growth factor receptor; plus strand), EGFR-AS1 (EGFR antisense RNA 1; minus strand). Cytogenetic location: 7p11.2.
Variant type: single nucleotide variant.
Coding change: c.2284-20G>A on transcript NM_005228.5 (MANE Select); 20 bases into the intron before coding-DNA position 2284, G replaced by A.
Molecular consequence: intron variant. On other transcripts: non-coding transcript variant (1).
Genome position (GRCh38, 1-based): chr7:55,181,273, G>A. VCF-style: chr7-55181273-G-A. GRCh37 (hg19) VCF-style: chr7-55248966-G-A.
Other names: c.2149-20G>A (NM_001346899.2, NM_001346897.2); c.1483-20G>A (NM_001346941.2); c.2284-20G>A (NM_001346898.2); c.2125-20G>A (NM_001346900.2).
Identifiers: ClinVar variation 1669514 (VCV001669514.9), dbSNP rs200438791, ClinGen allele CA4266042.